The following is an entry in ClinVar:

NM_001332.4(CTNND2):c.656CGC[7] (p.Pro226del)

Gene: CTNND2 (catenin delta 2; minus strand). Cytogenetic location: 5p15.2.
Variant type: Microsatellite.
Coding change: c.656CGC[7] on transcript NM_001332.4 (MANE Select); seven copies in a row of the 3-base unit CGC starting at c.656; the reference has eight copies in a row; one copy, 3 bases deleted.
Protein change: p.Pro226del; deletes proline 226.
Molecular consequence: inframe deletion. On other transcripts: intron variant (3).
Genome position (GRCh38, 1-based): chr5:11,385,163-11,385,165, GCG deleted on the plus strand (CGC on the coding strand, the reverse complement: CTNND2 is on the minus strand); deleting any 3 consecutive bases within chr5:11,385,163-11,385,186 gives the same sequence; the position shown is the placement nearest the transcript's 3' end. VCF-style (leftmost placement, unchanged base first): chr5-11385162-CGCG-C. GRCh37 (hg19) VCF-style: chr5-11385274-CGCG-C.
Other names: c.677_679delCGC (NM_001332.3); c.383CGC[7], p.Pro135del (NM_001288715.1); c.-123+11845CGC[7] (NM_001288717.2); c.167-20296CGC[7] (NM_001364128.2, NM_001288716.1); short protein forms P135del, P226del.
Identifiers: ClinVar variation 1318155 (VCV001318155.4), dbSNP rs557341981, ClinGen allele CA114394861.

ClinVar aggregate classification (germline): Likely benign. Review status: criteria provided, multiple submitters, no conflicts (2 of 4 stars). 3 submissions from 3 submitters: Likely benign (3). Last evaluated 2025-06-02.

Conditions:
CTNND2-related disorder. Also called: CTNND2-related condition.

Submissions (3):

PreventionGenetics, part of Exact Sciences
Classification: Likely benign for CTNND2-related condition. Last evaluated: 2025-06-02. Review status: criteria provided, single submitter. Criteria: ACMG Guidelines, 2015. Collection method: clinical testing. Allele origin: germline.
Comment: This variant is classified as likely benign based on ACMG/AMP sequence variant interpretation guidelines (Richards et al. 2015 PMID: 25741868, with internal and published modifications).

Blueprint Genetics
Classification: Likely benign. Last evaluated: 2024-11-21. Review status: criteria provided, single submitter. Criteria: ACMG Guidelines, 2015. Collection method: clinical testing. Allele origin: germline.

GeneDx
Classification: Likely benign. Last evaluated: 2021-03-18. Review status: criteria provided, single submitter. Criteria: GeneDx Variant Classification Process June 2021. Collection method: clinical testing. Allele origin: germline. Affected: yes.